The following is an entry in ClinVar:

NM_002633.3(PGM1):c.386T>C (p.Ile129Thr)

Gene: PGM1 (phosphoglucomutase 1; plus strand). Cytogenetic location: 1p31.3.
Variant type: single nucleotide variant.
Coding change: c.386T>C on transcript NM_002633.3 (MANE Select); coding-DNA position 386, T replaced by C.
Protein change: p.Ile129Thr; replaces isoleucine 129 with threonine.
Molecular consequence: missense variant. On other transcripts: 5 prime UTR variant (1).
Genome position (GRCh38, 1-based): chr1:63,629,564, T>C. VCF-style: chr1-63629564-T-C. GRCh37 (hg19) VCF-style: chr1-64095235-T-C.
Other names: c.440T>C, p.Ile147Thr (NM_001172818.1); c.-206T>C (NM_001172819.2); short protein forms I129T, I147T.
Identifiers: ClinVar variation 3344679 (VCV003344679.1).

ClinVar aggregate classification (germline): Uncertain significance (0 of 4 stars; one submission).

Conditions:
PGM1-related disorder. Also called: PGM1-related condition; PGM1-related disorders.

gnomAD v4.1: 1 of 1,613,824 alleles (0.000062%); highest among the groups gnomAD compares: African/African-American, 0.0013%; no homozygotes.

Submission:

PreventionGenetics, part of Exact Sciences
Classification: Uncertain significance for PGM1-related condition. Last evaluated: 2024-07-11. Review status: no assertion criteria provided. Collection method: clinical testing. Allele origin: germline.
Comment: The PGM1 c.386T>C variant is predicted to result in the amino acid substitution p.Ile129Thr. To our knowledge, this variant has not been reported in the literature or in a large population database, indicating this variant is rare. At this time, the clinical significance of this variant is uncertain due to the absence of conclusive functional and genetic evidence.